The following is an entry in ClinVar:

ClinVar aggregate classification (germline): Uncertain significance. Review status: criteria provided, multiple submitters, no conflicts (2 of 4 stars). 2 submissions from 2 submitters: Uncertain significance (2). Last evaluated 2026-05-03.

Conditions:
Autosomal dominant non-syndromic intellectual disability. Identifiers: Orphanet 178469, MedGen C5680502, MONDO:0015802.

Submissions (2):

Department of Human Genetics, University Hospital Bern, Inselspital
Classification: Uncertain significance for Autosomal dominant non-syndromic intellectual disability. Last evaluated: 2026-05-03. Review status: criteria provided, single submitter. Criteria: ACMG Guidelines, 2015. Collection method: research. Allele origin: de novo. Affected: yes.
Comment: The missense variant affects a highly conserved amino acid in the important kinase domain and is predicted to have a damaging effect by AlphaMissense and PrimateAI-3D. Functional assays in Drosophila indicated a loss-of-function effect. The variant has been shown to have occurred de novo and is absent from gnomAD v4.1.0. In summary, criteria PS3_Moderate, PS2_Supporting, PM2_Supporting, and PP3_Supporting were used.

CeGaT Center for Human Genetics Tuebingen
Classification: Uncertain significance. Last evaluated: 2019-06-01. Review status: criteria provided, single submitter. Criteria: CeGaT Center For Human Genetics Tuebingen Variant Classification Criteria Version 2. Collection method: clinical testing. Allele origin: germline. Affected: yes. Observed: 1 variant allele.

Literature cited by the submitters: PubMed 42509346 (cited by Department of Human Genetics, University Hospital Bern, Inselspital).

NM_001256627.2(BRSK2):c.209T>C (p.Leu70Pro)

Gene: BRSK2 (BR serine/threonine kinase 2; plus strand). Cytogenetic location: 11p15.5.
Variant type: single nucleotide variant.
Coding change: c.209T>C on transcript NM_001256627.2 (MANE Select); coding-DNA position 209, T replaced by C.
Protein change: p.Leu70Pro; replaces leucine 70 with proline.
Molecular consequence: missense variant. On other transcripts: non-coding transcript variant (1).
Genome position (GRCh38, 1-based): chr11:1,438,328, T>C. VCF-style: chr11-1438328-T-C. GRCh37 (hg19) VCF-style: chr11-1459558-T-C.
Other names: c.209T>C, p.Leu70Pro (NM_001256629.2, NM_003957.4); c.347T>C, p.Leu116Pro (NM_001256630.1); c.29T>C, p.Leu10Pro (NM_001282218.2); short protein forms L116P, L70P, L10P.
Identifiers: ClinVar variation 806592 (VCV000806592.43), dbSNP rs1590536106, ClinGen allele CA379056419.
Genomic context (GRCh38, chr11:1,438,328, plus strand): 5'-CCCTGTGAGCGTGATGTTCTCTGGCCTCTCCCATGCAGGTGGAGCGGGAGATCGCGATCC[T>C]GAAGCTCATTGAGCACCCCCACGTCCTAAAGCTGCACGACGTTTATGAAAACAAAAAATA-3'
Protein context (NP_001243556.1, residues 60-80): LMKVEREIAI[Leu70Pro]KLIEHPHVLK